The following is an entry in ClinVar:

NM_004937.3(CTNS):c.817A>G (p.Lys273Glu)

Gene: CTNS (cystinosin, lysosomal cystine transporter; plus strand). Cytogenetic location: 17p13.2.
Variant type: single nucleotide variant.
Coding change: c.817A>G on transcript NM_004937.3 (MANE Select); coding-DNA position 817, A replaced by G.
Protein change: p.Lys273Glu; replaces lysine 273 with glutamic acid.
Molecular consequence: missense variant.
Genome position (GRCh38, 1-based): chr17:3,658,140, A>G. VCF-style: chr17-3658140-A-G. GRCh37 (hg19) VCF-style: chr17-3561434-A-G.
Other names: c.817A>G, p.Lys273Glu (NM_001031681.3, NM_001374492.1); c.376A>G, p.Lys126Glu (NM_001374493.1, NM_001374494.1, NM_001374495.1 and 1 more transcripts); short protein forms K126E, K273E.
Identifiers: ClinVar variation 945055 (VCV000945055.12), dbSNP rs2076199463, ClinGen allele CA397692640.

ClinVar aggregate classification (germline): Uncertain significance (1 of 4 stars; one submission).

Conditions:
Inborn genetic diseases. Identifiers: MedGen C0950123, MeSH D030342.
Ocular cystinosis. Also called: Non-Nephropathic Cystinosis; Non-Nephropathic (Ocular) Cystinosis. Identifiers: Orphanet 213, Orphanet 411641, MedGen C2931013, MONDO:0009064, OMIM 219750.
Juvenile nephropathic cystinosis. Also called: Intermediate Cystinosis; CYSTINOSIS, LATE-ONSET JUVENILE OR ADOLESCENT NEPHROPATHIC TYPE; Later-Onset (Juvenile) Cystinosis. Identifiers: Orphanet 213, Orphanet 411634, MedGen C0268626, MONDO:0009066, OMIM 219900.

gnomAD v4.1: 1 of 1,612,046 alleles (0.000062%); highest among the groups gnomAD compares: Non-Finnish European, 0.000085%; no homozygotes.

Submission:

Labcorp Genetics (formerly Invitae), Labcorp
Classification: Uncertain significance for Inborn genetic diseases; Ocular cystinosis; Juvenile nephropathic cystinosis. Last evaluated: 2019-07-19. Review status: criteria provided, single submitter. Criteria: Invitae Variant Classification Sherloc (09022015). Collection method: clinical testing. Allele origin: germline.
Comment: In summary, the available evidence is currently insufficient to determine the role of this variant in disease. Therefore, it has been classified as a Variant of Uncertain Significance. Algorithms developed to predict the effect of missense changes on protein structure and function (SIFT, PolyPhen-2, Align-GVGD) all suggest that this variant is likely to be disruptive, but these predictions have not been confirmed by published functional studies and their clinical significance is uncertain. This variant is not present in population databases (ExAC no frequency). This sequence change replaces lysine with glutamic acid at codon 273 of the CTNS protein (p.Lys273Glu). The lysine residue is highly conserved and there is a small physicochemical difference between lysine and glutamic acid.